The following is an entry in ClinVar:

ClinVar aggregate classification (germline): Uncertain significance (1 of 4 stars; one submission).

Submission:

GeneDx
Classification: Uncertain significance. Last evaluated: 2026-03-17. Review status: criteria provided, single submitter. Criteria: GeneDx Variant Classification Process June 2021. Collection method: clinical testing. Allele origin: germline.
Comment: Not observed at significant frequency in large population cohorts (gnomAD); In-frame duplication of 9 amino acid(s) in a non-repeat region; Has not been previously published as pathogenic or benign to our knowledge

NM_006237.4(POU4F1):c.673_699dup (p.Ala233_Ala234insHisHisGlyAlaAlaAlaAlaAlaAla)

Genes: OBI1-AS1 (OBI1 antisense RNA 1; plus strand), POU4F1 (POU class 4 homeobox 1; minus strand). Cytogenetic location: 13q31.1.
Variant type: Duplication.
Coding change: c.673_699dup on transcript NM_006237.4 (MANE Select); coding-DNA positions 673 to 699, 27 bases duplicated (CACCACGGCGCGGCAGCGGCAGCGGCG).
Protein change: p.Ala233_Ala234insHisHisGlyAlaAlaAlaAlaAlaAla.
Molecular consequence: inframe insertion.
Genome position (GRCh38, 1-based): chr13:78,601,976-78,602,002, CGCCGCTGCCGCTGCCGCGCCGTGGTG duplicated on the plus strand (CACCACGGCGCGGCAGCGGCAGCGGCG on the coding strand, the reverse complement: POU4F1 is on the minus strand); duplicating any 27 consecutive bases within chr13:78,601,976-78,602,008 gives the same sequence; the c. name uses the placement nearest the transcript's 3' end. VCF-style (leftmost placement, unchanged base first): chr13-78601975-C-CCGCCGCTGCCGCTGCCGCGCCGTGGTG. GRCh37 (hg19) VCF-style: chr13-79176110-C-CCGCCGCTGCCGCTGCCGCGCCGTGGTG.
Identifiers: ClinVar variation 5009368 (VCV005009368.1).
Genomic context (GRCh38, chr13:78,601,975, plus strand): 5'-CCGCTGCGCCCACCACGGCCGCCGCCGCCGATGCCGCTGCCACCTGCCCGGCCGCCGCCG[C>CCGCCGCTGCCGCTGCCGCGCCGTGGTG]CGCCGCTGCCGCTGCCGCGCCGTGGTGCGCCGCCGCCGCCACCAGCCCGGGGTGCGGCAG-3'